The following is an entry in ClinVar:

ClinVar aggregate classification (germline): Conflicting classifications of pathogenicity. Review status: criteria provided, conflicting classifications (1 of 4 stars). 2 submissions from 2 submitters: Uncertain significance (1); Likely benign (1). Last evaluated 2024-02-24.

Conditions:
Dilated cardiomyopathy 1JJ (CMD1JJ). Identifiers: Orphanet 154, MedGen C3808935, MONDO:0014095, OMIM 615235.

Allele frequency attached by ClinVar (database versions not stated): gnomAD 0.00003; gnomAD exomes 0.00004; TOPMed 0.00005.
gnomAD v4.1: 56 of 1,611,468 alleles (0.0035%); highest among the groups gnomAD compares: South Asian, 0.0077%; no homozygotes.

Submissions (2):

Labcorp Genetics (formerly Invitae), Labcorp
Classification: Likely benign for Dilated cardiomyopathy 1JJ. Last evaluated: 2024-02-24. Review status: criteria provided, single submitter. Criteria: Invitae Variant Classification Sherloc (09022015). Collection method: clinical testing. Allele origin: germline.

Laboratory for Molecular Medicine, Mass General Brigham Personalized Medicine
Classification: Uncertain significance. Last evaluated: 2012-09-21. Review status: criteria provided, single submitter. Criteria: LMM Criteria. Collection method: clinical testing. Allele origin: germline. Observed: 1 variant allele.
Comment: The 1337-12A>G variant in LAMA4 has not been reported in the literature nor prev iously identified by our laboratory. This variant is located in the 3' splice re gion. Computational tools do not suggest an impact to splicing. However, this in formation is not predictive enough to rule out pathogenicity. Additional informa tion is needed to fully assess the clinical significance of the 1337-12A>G varia nt.

NM_001105206.3(LAMA4):c.1358-12A>G

Gene: LAMA4 (laminin subunit alpha 4; minus strand). Cytogenetic location: 6q21.
Variant type: single nucleotide variant.
Coding change: c.1358-12A>G on transcript NM_001105206.3 (MANE Select); 12 bases into the intron before coding-DNA position 1358, A replaced by G.
Molecular consequence: intron variant.
Genome position (GRCh38, 1-based): chr6:112,172,816, T>C on the plus strand (A>G on the coding strand, the complement: LAMA4 is on the minus strand). VCF-style: chr6-112172816-T-C. GRCh37 (hg19) VCF-style: chr6-112494018-T-C.
Other names: c.1337-12A>G (NM_002290.5, NM_001105207.3).
Identifiers: ClinVar variation 44344 (VCV000044344.11), dbSNP rs397516716, ClinGen allele CA134005.